The following is an entry in ClinVar:

ClinVar aggregate classification (germline): Uncertain significance (1 of 4 stars; one submission).

Conditions:
Hereditary spastic paraplegia 11. Also called: Spastic paraplegia, mental retardation and thin corpus callosum; SPASTIC PARAPLEGIA, AUTOSOMAL RECESSIVE, WITH MENTAL IMPAIRMENT AND THIN CORPUS CALLOSUM; Spastic Paraplegia 11; Nakamura Osame syndrome; Autosomal recessive hereditary spastic paraplegia, mental impairment, and thin corpus callosum; SPASTIC PARAPLEGIA, AUTOSOMAL RECESSIVE, COMPLICATED, WITH THIN CORPUS CALLOSUM. Identifiers: Orphanet 2822, MedGen C1858479, MONDO:0011445, OMIM 604360.

Allele frequency attached by ClinVar (database versions not stated): gnomAD 0.00001; TOPMed 0.00001; gnomAD exomes 0.00002; ExAC 0.00003; ESP Exome Variant Server 0.00008.
gnomAD v4.1: 32 of 1,614,060 alleles (0.002%); highest among the groups gnomAD compares: South Asian, 0.031%; no homozygotes.

Submission:

Labcorp Genetics (formerly Invitae), Labcorp
Classification: Uncertain significance for Hereditary spastic paraplegia 11. Last evaluated: 2022-02-23. Review status: criteria provided, single submitter. Criteria: Invitae Variant Classification Sherloc (09022015). Collection method: clinical testing. Allele origin: germline.
Comment: This sequence change replaces threonine, which is neutral and polar, with isoleucine, which is neutral and non-polar, at codon 467 of the SPG11 protein (p.Thr467Ile). This variant is present in population databases (rs369352026, gnomAD 0.04%). This variant has not been reported in the literature in individuals affected with SPG11-related conditions. Algorithms developed to predict the effect of missense changes on protein structure and function are either unavailable or do not agree on the potential impact of this missense change (SIFT: "Deleterious"; PolyPhen-2: "Benign"; Align-GVGD: "Class C0"). In summary, the available evidence is currently insufficient to determine the role of this variant in disease. Therefore, it has been classified as a Variant of Uncertain Significance.

NM_025137.4(SPG11):c.1400C>T (p.Thr467Ile)

Gene: SPG11 (SPG11 vesicle trafficking associated, spatacsin; minus strand). Cytogenetic location: 15q21.1.
Variant type: single nucleotide variant.
Coding change: c.1400C>T on transcript NM_025137.4 (MANE Select); coding-DNA position 1400, C replaced by T.
Protein change: p.Thr467Ile; replaces threonine 467 with isoleucine.
Molecular consequence: missense variant.
Genome position (GRCh38, 1-based): chr15:44,651,547, G>A on the plus strand (C>T on the coding strand, the complement: SPG11 is on the minus strand). VCF-style: chr15-44651547-G-A. GRCh37 (hg19) VCF-style: chr15-44943745-G-A.
Other names: c.1400C>T, p.Thr467Ile (NM_001160227.2, NM_001411132.1); short protein forms T467I.
Identifiers: ClinVar variation 1977624 (VCV001977624.2), dbSNP rs369352026, ClinGen allele CA7535565.
Genomic context (GRCh38, chr15:44,651,547, plus strand): 5'-TCACCTGTCAAAACAAAGCACAGCTGCTGGTCTCCACTACTGTCTACAGGAATACACTTT[G>A]TGCCAAGGGAAAAACACTGCATGCCCTGGGTCTCCAAATCCCAGAGGGTAATGGTATAGC-3'
Protein context (NP_079413.3, residues 457-477): TQGMQCFSLG[Thr467Ile]KCIPVDSSGD